The following is an entry in ClinVar:

ClinVar aggregate classification (germline): Conflicting classifications of pathogenicity. Review status: criteria provided, conflicting classifications (1 of 4 stars). 3 submissions from 3 submitters: Uncertain significance (2); Likely benign (1). Last evaluated 2024-09-19.

Conditions:
SCN8A-related disorder.
Early-infantile DEE. Also called: Ohtahara syndrome; Early infantile epileptic encephalopathy with suppression bursts; Early infantile epileptic encephalopathy. Identifiers: Orphanet 1934, MedGen C0393706, MONDO:0800491.

Allele frequency attached by ClinVar (database versions not stated): gnomAD exomes below 0.00001 and 0.00001; ExAC 0.00001; gnomAD 0.00001; TOPMed 0.00001.
gnomAD v4.1: 5 of 1,609,284 alleles (0.00031%); highest among the groups gnomAD compares: Non-Finnish European, 0.00042%; no homozygotes.

Submissions (3):

Labcorp Genetics (formerly Invitae), Labcorp
Classification: Likely benign for Early-infantile DEE. Last evaluated: 2024-09-19. Review status: criteria provided, single submitter. Criteria: Invitae Variant Classification Sherloc (09022015). Collection method: clinical testing. Allele origin: germline.

GeneDx
Classification: Uncertain significance. Last evaluated: 2023-07-11. Review status: criteria provided, single submitter. Criteria: GeneDx Variant Classification Process June 2021. Collection method: clinical testing. Allele origin: germline. Affected: yes.
Comment: Missense variants in this gene are often considered pathogenic (HGMD); This substitution is predicted to be in the cytoplasmic loop between the first and second homologous domains; In silico analysis supports that this missense variant has a deleterious effect on protein structure/function; Has not been previously published as pathogenic or benign to our knowledge

PreventionGenetics, part of Exact Sciences
Classification: Uncertain significance for SCN8A-related condition. Last evaluated: 2022-10-03. Review status: criteria provided, single submitter. Criteria: ACMG Guidelines, 2015. Collection method: clinical testing. Allele origin: germline.
Comment: The SCN8A c.1516G>A variant is predicted to result in the amino acid substitution p.Gly506Arg. To our knowledge, this variant has not been reported in the literature. This variant is reported in 0.0016% of alleles in individuals of European (Non-Finnish) descent in gnomAD. At this time, the clinical significance of this variant is uncertain due to the absence of conclusive functional and genetic evidence.

NM_001330260.2(SCN8A):c.1516G>A (p.Gly506Arg)

Gene: SCN8A (sodium voltage-gated channel alpha subunit 8; plus strand). Cytogenetic location: 12q13.13.
Variant type: single nucleotide variant.
Coding change: c.1516G>A on transcript NM_001330260.2 (MANE Select); coding-DNA position 1516, G replaced by A.
Protein change: p.Gly506Arg; replaces glycine 506 with arginine.
Molecular consequence: missense variant.
Genome position (GRCh38, 1-based): chr12:51,706,596, G>A. VCF-style: chr12-51706596-G-A. GRCh37 (hg19) VCF-style: chr12-52100380-G-A.
Other names: c.1516G>A, p.Gly506Arg (NM_001177984.3, NM_001369788.1, NM_014191.4); short protein forms G506R.
Identifiers: ClinVar variation 833776 (VCV000833776.12), dbSNP rs758393038, ClinGen allele CA6571271.